The following is an entry in ClinVar:

NM_138694.4(PKHD1):c.11476C>A (p.His3826Asn)

Gene: PKHD1 (PKHD1 ciliary IPT domain containing fibrocystin/polyductin; minus strand). Cytogenetic location: 6p12.3.
Variant type: single nucleotide variant.
Coding change: c.11476C>A on transcript NM_138694.4 (MANE Select); coding-DNA position 11476, C replaced by A.
Protein change: p.His3826Asn; replaces histidine 3826 with asparagine.
Molecular consequence: missense variant.
Genome position (GRCh38, 1-based): chr6:51,638,879, G>T on the plus strand (C>A on the coding strand, the complement: PKHD1 is on the minus strand). VCF-style: chr6-51638879-G-T. GRCh37 (hg19) VCF-style: chr6-51503677-G-T.
Other names: short protein forms H3826N.
Identifiers: ClinVar variation 357406 (VCV000357406.9), dbSNP rs760056303, ClinGen allele CA3850849.
Genomic context (GRCh38, chr6:51,638,879, plus strand): 5'-ACAGAATAAAAGCACACTGTATAAAATTACCTGGAGGAGAAGTGACAGTAAAAATAAAGT[G>T]CCAGTTTGACCCAGAGATCAAGACTGCCAAGTTGTAGAAGCTAACATAACCATCTTGAGT-3'
Protein context (NP_619639.3, residues 3816-3836): LAVLISGSNW[His3826Asn]FIFTVTSPPG

ClinVar aggregate classification (germline): Uncertain significance. Review status: criteria provided, multiple submitters, no conflicts (2 of 4 stars). 4 submissions from 4 submitters: Uncertain significance (4). Last evaluated 2025-01-23.

Conditions:
PKHD1-related disorder. Also called: PKHD1-related condition.
Autosomal recessive polycystic kidney disease (ARPKD). Also called: AR polycystic kidney disease. Identifiers: Orphanet 731, Orphanet 8378, MedGen C0085548, MeSH D017044, MONDO:0009889.
Polycystic kidney disease 4 (PKD4). Also called: Autosomal Recessive Polycystic Kidney Disease – PKHD1; PKD3; POLYCYSTIC KIDNEY DISEASE 4 WITH OR WITHOUT POLYCYSTIC LIVER DISEASE; POLYCYSTIC KIDNEY AND HEPATIC DISEASE 1; POLYCYSTIC KIDNEY DISEASE, INFANTILE, TYPE I. Identifiers: MedGen C4540575, MONDO:0033004, OMIM 263200.
Inborn genetic diseases. Identifiers: MedGen C0950123, MeSH D030342.

Allele frequency attached by ClinVar (database versions not stated): ExAC 0.00001; gnomAD exomes 0.00002; TOPMed 0.00004; gnomAD 0.00007 and 0.00008.
gnomAD v4.1: 95 of 1,610,636 alleles (0.0059%); highest among the groups gnomAD compares: Non-Finnish European, 0.0076%; no homozygotes.

Submissions (4):

PreventionGenetics, part of Exact Sciences
Classification: Uncertain significance for PKHD1-related condition. Last evaluated: 2025-01-23. Review status: criteria provided, single submitter. Criteria: ACMG Guidelines, 2015. Collection method: clinical testing. Allele origin: germline.
Comment: The PKHD1 c.11476C>A variant is predicted to result in the amino acid substitution p.His3826Asn. To our knowledge, this variant has not been reported in the literature. This variant is reported in 0.0080% of alleles in individuals of African descent in gnomAD. At this time, the clinical significance of this variant is uncertain due to the absence of conclusive functional and genetic evidence.

Ambry Genetics
Classification: Uncertain significance for Inborn genetic diseases. Last evaluated: 2023-05-24. Review status: criteria provided, single submitter. Criteria: Ambry Variant Classification Scheme 2023. Collection method: clinical testing. Allele origin: germline.

Fulgent Genetics
Classification: Uncertain significance for Polycystic kidney disease 4. Last evaluated: 2022-04-25. Review status: criteria provided, single submitter. Criteria: ACMG Guidelines, 2015. Collection method: clinical testing. Allele origin: unknown.

Illumina Laboratory Services, Illumina
Classification: Uncertain significance for Polycystic kidney disease 4. Last evaluated: 2018-01-13. Review status: criteria provided, single submitter. Criteria: ICSL Variant Classification Criteria 13 December 2019. Collection method: clinical testing. Allele origin: germline.